The following is an entry in ClinVar:

NM_004104.5(FASN):c.3186C>T (p.His1062=)

Gene: FASN (fatty acid synthase; minus strand). Cytogenetic location: 17q25.3.
Variant type: single nucleotide variant.
Coding change: c.3186C>T on transcript NM_004104.5 (MANE Select); coding-DNA position 3186, C replaced by T.
Protein change: p.His1062=; no amino-acid change (histidine 1062 retained).
Molecular consequence: synonymous variant.
Genome position (GRCh38, 1-based): chr17:82,087,362, G>A on the plus strand (C>T on the coding strand, the complement: FASN is on the minus strand). VCF-style: chr17-82087362-G-A. GRCh37 (hg19) VCF-style: chr17-80045238-G-A.
Identifiers: ClinVar variation 462032 (VCV000462032.14), dbSNP rs45493497, ClinGen allele CA8852485.

ClinVar aggregate classification (germline): Benign. Review status: criteria provided, single submitter (1 of 4 stars). 2 submissions from 2 submitters: Benign (1). 1 of the submissions does not count toward it. Last evaluated 2026-01-25.

Conditions:
FASN-related disorder. Also called: FASN-related condition.
Epileptic encephalopathy. Identifiers: MedGen C0543888, HP:0200134.

Allele frequency attached by ClinVar (database versions not stated): gnomAD exomes 0.00021 and 0.00070; ExAC 0.00087; gnomAD 0.00252 and 0.00266; TOPMed 0.00281; ESP Exome Variant Server 0.00323; 1000 Genomes Project 0.00439; 1000 Genomes Project 30x 0.00500.
gnomAD v4.1: 710 of 1,612,548 alleles (0.044%); highest among the groups gnomAD compares: African/African-American, 0.83%; 6 homozygotes.

Submissions (2):

Labcorp Genetics (formerly Invitae), Labcorp
Classification: Benign for Epileptic encephalopathy. Last evaluated: 2026-01-25. Review status: criteria provided, single submitter. Criteria: Invitae Variant Classification Sherloc (09022015). Collection method: clinical testing. Allele origin: germline.

PreventionGenetics, part of Exact Sciences
Classification: Benign for FASN-related condition. Last evaluated: 2019-06-13. Review status: no assertion criteria provided. Collection method: clinical testing. Allele origin: germline. Not counted in ClinVar's aggregate classification.
Comment: This variant is classified as benign based on ACMG/AMP sequence variant interpretation guidelines (Richards et al. 2015 PMID: 25741868, with internal and published modifications).